The following is an entry in ClinVar:

NM_000540.3(RYR1):c.8816+16C>T

Gene: RYR1 (ryanodine receptor 1; plus strand). Cytogenetic location: 19q13.2.
Variant type: single nucleotide variant.
Coding change: c.8816+16C>T on transcript NM_000540.3 (MANE Select); 16 bases into the intron after coding-DNA position 8816, C replaced by T.
Molecular consequence: intron variant.
Genome position (GRCh38, 1-based): chr19:38,506,968, C>T. VCF-style: chr19-38506968-C-T. GRCh37 (hg19) VCF-style: chr19-38997608-C-T.
Other names: c.8816+16C>T (NM_001042723.2).
Identifiers: ClinVar variation 390787 (VCV000390787.10), dbSNP rs181138438, ClinGen allele CA072734.
Genomic context (GRCh38, chr19:38,506,968, plus strand): 5'-GGAGCTACTGAAATTCCTGCAGATGAATGGCTACGCGGTTACAAGGCACGCGGGTTGGGG[C>T]TCCCGCGGAAGAGCAGCAGGCAGAACACACCCGGCAAAGGCTGGAAGGGGCGGGGCCAGA-3'

ClinVar aggregate classification (germline): Benign/Likely benign. Review status: criteria provided, multiple submitters, no conflicts (2 of 4 stars). 3 submissions from 3 submitters: Benign (1); Likely benign (2). Last evaluated 2026-02-03.

Conditions:
RYR1-related disorder. Also called: RYR1-related condition; RYR1-related disorders. Identifiers: MedGen CN239331.

Allele frequency attached by ClinVar (database versions not stated): ESP Exome Variant Server 0.00008; gnomAD exomes 0.00029 and 0.00118; gnomAD 0.00046 and 0.00062; TOPMed 0.00063; ExAC 0.00106; 1000 Genomes Project 30x 0.00234; 1000 Genomes Project 0.00240.
gnomAD v4.1: 547 of 1,612,260 alleles (0.034%); highest among the groups gnomAD compares: East Asian, 1%; 4 homozygotes.

Submissions (3):

Labcorp Genetics (formerly Invitae), Labcorp
Classification: Benign for RYR1-related disorder. Last evaluated: 2026-02-03. Review status: criteria provided, single submitter. Criteria: Invitae Variant Classification Sherloc (09022015). Collection method: clinical testing. Allele origin: germline.

Blueprint Genetics
Classification: Likely benign. Last evaluated: 2024-11-11. Review status: criteria provided, single submitter. Criteria: ACMG Guidelines, 2015. Collection method: clinical testing. Allele origin: germline.

GeneDx
Classification: Likely benign. Last evaluated: 2016-11-17. Review status: criteria provided, single submitter. Criteria: GeneDx Variant Classification (06012015). Collection method: clinical testing. Allele origin: germline. Affected: yes.
Comment: This variant is considered likely benign or benign based on one or more of the following criteria: it is a conservative change, it occurs at a poorly conserved position in the protein, it is predicted to be benign by multiple in silico algorithms, and/or has population frequency not consistent with disease.